The following is an entry in ClinVar:

ClinVar aggregate classification (germline): Uncertain significance. Review status: criteria provided, multiple submitters, no conflicts (2 of 4 stars). 2 submissions from 2 submitters: Uncertain significance (2). Last evaluated 2024-11-20.

Conditions:
Inborn genetic diseases. Identifiers: MedGen C0950123, MeSH D030342.

Allele frequency attached by ClinVar (database versions not stated): TOPMed 0.00003; gnomAD 0.00003.

Submissions (2):

Ambry Genetics
Classification: Uncertain significance for Inborn genetic diseases. Last evaluated: 2024-11-20. Review status: criteria provided, single submitter. Criteria: Ambry Variant Classification Scheme 2023. Collection method: clinical testing. Allele origin: germline.

Labcorp Genetics (formerly Invitae), Labcorp
Classification: Uncertain significance. Last evaluated: 2024-10-16. Review status: criteria provided, single submitter. Criteria: Invitae Variant Classification Sherloc (09022015). Collection method: clinical testing. Allele origin: germline.
Comment: This sequence change replaces proline, which is neutral and non-polar, with alanine, which is neutral and non-polar, at codon 430 of the ORC1 protein (p.Pro430Ala). This variant is present in population databases (rs770664020, gnomAD 0.02%). This variant has not been reported in the literature in individuals affected with ORC1-related conditions. ClinVar contains an entry for this variant (Variation ID: 2041470). Invitae Evidence Modeling of protein sequence and biophysical properties (such as structural, functional, and spatial information, amino acid conservation, physicochemical variation, residue mobility, and thermodynamic stability) indicates that this missense variant is not expected to disrupt ORC1 protein function with a negative predictive value of 80%. In summary, the available evidence is currently insufficient to determine the role of this variant in disease. Therefore, it has been classified as a Variant of Uncertain Significance.

NM_004153.4(ORC1):c.1288C>G (p.Pro430Ala)

Gene: ORC1 (origin recognition complex subunit 1; minus strand). Cytogenetic location: 1p32.3.
Variant type: single nucleotide variant.
Coding change: c.1288C>G on transcript NM_004153.4 (MANE Select); coding-DNA position 1288, C replaced by G.
Protein change: p.Pro430Ala; replaces proline 430 with alanine.
Molecular consequence: missense variant.
Genome position (GRCh38, 1-based): chr1:52,388,537, G>C on the plus strand (C>G on the coding strand, the complement: ORC1 is on the minus strand). VCF-style: chr1-52388537-G-C. GRCh37 (hg19) VCF-style: chr1-52854209-G-C.
Other names: c.1288C>G (NM_004153.3); c.1288C>G, p.Pro430Ala (NM_001190818.2, NM_001190819.2); short protein forms P430A.
Identifiers: ClinVar variation 2041470 (VCV002041470.5), dbSNP rs770664020, ClinGen allele CA22514077.